The following is an entry in ClinVar:

NM_018946.4(NANS):c.218C>G (p.Ser73Trp)

Genes: NANS (N-acetylneuraminate synthase; plus strand), TRIM14 (tripartite motif containing 14; minus strand). Cytogenetic location: 9q22.33.
Variant type: single nucleotide variant.
Coding change: c.218C>G on transcript NM_018946.4 (MANE Select); coding-DNA position 218, C replaced by G.
Protein change: p.Ser73Trp; replaces serine 73 with tryptophan.
Molecular consequence: missense variant.
Genome position (GRCh38, 1-based): chr9:98,060,867, C>G. VCF-style: chr9-98060867-C-G. GRCh37 (hg19) VCF-style: chr9-100823149-C-G.
Other names: short protein forms S73W.
Identifiers: ClinVar variation 1394191 (VCV001394191.6), dbSNP rs774179344, ClinGen allele CA5150212.

ClinVar aggregate classification (germline): Uncertain significance (1 of 4 stars; one submission).

gnomAD v4.1: 11 of 1,614,132 alleles (0.00068%); highest among the groups gnomAD compares: Non-Finnish European, 0.00093%; no homozygotes.

Submission:

Labcorp Genetics (formerly Invitae), Labcorp
Classification: Uncertain significance. Last evaluated: 2025-02-10. Review status: criteria provided, single submitter. Criteria: Invitae Variant Classification Sherloc (09022015). Collection method: clinical testing. Allele origin: germline.
Comment: This sequence change replaces serine, which is neutral and polar, with tryptophan, which is neutral and slightly polar, at codon 73 of the NANS protein (p.Ser73Trp). This variant is present in population databases (rs774179344, gnomAD 0.002%). This variant has not been reported in the literature in individuals affected with NANS-related conditions. ClinVar contains an entry for this variant (Variation ID: 1394191). An algorithm developed to predict the effect of missense changes on protein structure and function (PolyPhen-2) suggests that this variant is likely to be disruptive. In summary, the available evidence is currently insufficient to determine the role of this variant in disease. Therefore, it has been classified as a Variant of Uncertain Significance.